The following is an entry in ClinVar:

NM_001128840.3(CACNA1D):c.5901T>G (p.Ser1967Arg)

Gene: CACNA1D (calcium voltage-gated channel subunit alpha1 D; plus strand). Cytogenetic location: 3p21.1.
Variant type: single nucleotide variant.
Coding change: c.5901T>G on transcript NM_001128840.3 (MANE Select); coding-DNA position 5901, T replaced by G.
Protein change: p.Ser1967Arg; replaces serine 1967 with arginine.
Molecular consequence: missense variant.
Genome position (GRCh38, 1-based): chr3:53,810,007, T>G. VCF-style: chr3-53810007-T-G. GRCh37 (hg19) VCF-style: chr3-53844034-T-G.
Other names: c.5961T>G, p.Ser1987Arg (NM_000720.4); c.5829T>G, p.Ser1943Arg (NM_001128839.3); short protein forms S1943R, S1987R, S1967R.
Identifiers: ClinVar variation 1497987 (VCV001497987.8), dbSNP rs1197674488, ClinGen allele CA353257726.

ClinVar aggregate classification (germline): Uncertain significance (1 of 4 stars; one submission).

Allele frequency attached by ClinVar (database versions not stated): gnomAD exomes below 0.00001.
gnomAD v4.1: 2 of 1,613,924 alleles (0.00012%); highest among the groups gnomAD compares: Non-Finnish European, 0.00017%; no homozygotes.

Submission:

Labcorp Genetics (formerly Invitae), Labcorp
Classification: Uncertain significance. Last evaluated: 2021-06-12. Review status: criteria provided, single submitter. Criteria: Invitae Variant Classification Sherloc (09022015). Collection method: clinical testing. Allele origin: germline.
Comment: This variant is not present in population databases (ExAC no frequency). This sequence change replaces serine with arginine at codon 1987 of the CACNA1D protein (p.Ser1987Arg). The serine residue is moderately conserved and there is a moderate physicochemical difference between serine and arginine. This variant has not been reported in the literature in individuals with CACNA1D-related conditions. In summary, the available evidence is currently insufficient to determine the role of this variant in disease. Therefore, it has been classified as a Variant of Uncertain Significance. Algorithms developed to predict the effect of missense changes on protein structure and function are either unavailable or do not agree on the potential impact of this missense change (SIFT: "Deleterious"; PolyPhen-2: "Possibly Damaging"; Align-GVGD: "Class C0").